The following is an entry in ClinVar:

NM_004168.4(SDHA):c.1571C>T (p.Ala524Val)

Gene: SDHA (succinate dehydrogenase complex flavoprotein subunit A; plus strand). Cytogenetic location: 5p15.33.
Variant type: single nucleotide variant.
Coding change: c.1571C>T on transcript NM_004168.4 (MANE Select); coding-DNA position 1571, C replaced by T.
Protein change: p.Ala524Val; replaces alanine 524 with valine.
Molecular consequence: missense variant. On other transcripts: intron variant (1).
Genome position (GRCh38, 1-based): chr5:251,011, C>T. VCF-style: chr5-251011-C-T. GRCh37 (hg19) VCF-style: chr5-251126-C-T.
Other names: c.1427C>T, p.Ala476Val (NM_001294332.2); c.1552-3382C>T (NM_001330758.2); short protein forms A524V, A476V.
Identifiers: ClinVar variation 8743 (VCV000008743.20), dbSNP rs137852767, ClinGen allele CA119880.

ClinVar aggregate classification (germline): Pathogenic/Likely pathogenic. Review status: criteria provided, multiple submitters, no conflicts (2 of 4 stars). 6 submissions from 6 submitters: Pathogenic (3); Likely pathogenic (2). 1 of the submissions does not count toward it. Last evaluated 2025-11-22.

Conditions:
Hereditary cancer-predisposing syndrome. Also called: Hereditary neoplastic syndrome; Neoplastic Syndromes, Hereditary; Tumor predisposition; Hereditary Cancer Syndrome. Identifiers: Orphanet 140162, MedGen C0027672, MeSH D009386, MONDO:0015356.
Mitochondrial complex II deficiency, nuclear type 1. Also called: SUCCINATE CoQ REDUCTASE DEFICIENCY. Identifiers: Orphanet 3208, MedGen C5700310, MONDO:0100294, OMIM 252011.
Pheochromocytoma/paraganglioma syndrome 5. Also called: Paragangliomas 5; SDHA-Related Hereditary Paraganglioma-Pheochromocytoma Syndrome. Identifiers: Orphanet 29072, MedGen C3279992, MONDO:0013602, OMIM 614165.
Dilated cardiomyopathy 1GG (CMD1GG). Identifiers: Orphanet 154, MedGen C3150898, MONDO:0013339, OMIM 613642.

Allele frequency attached by ClinVar (database versions not stated): TOPMed 0.00001.

Submissions (6):

Labcorp Genetics (formerly Invitae), Labcorp
Classification: Likely pathogenic for Pheochromocytoma/paraganglioma syndrome 5; Mitochondrial complex II deficiency, nuclear type 1. Last evaluated: 2025-11-22. Review status: criteria provided, single submitter. Criteria: Invitae Variant Classification Sherloc (09022015). Collection method: clinical testing. Allele origin: germline.
Comment: This sequence change replaces alanine, which is neutral and non-polar, with valine, which is neutral and non-polar, at codon 524 of the SDHA protein (p.Ala524Val). This variant is not present in population databases (gnomAD no frequency). This missense change has been observed in individual(s) with Leigh syndrome and succinate dehydrogenase (SDH) deficiency (PMID: 10746566). In at least one individual the data is consistent with being in trans (on the opposite chromosome) from a pathogenic variant. ClinVar contains an entry for this variant (Variation ID: 8743). Invitae Evidence Modeling of protein sequence and biophysical properties (such as structural, functional, and spatial information, amino acid conservation, physicochemical variation, residue mobility, and thermodynamic stability) has been performed for this missense variant. However, the output from this modeling did not meet the statistical confidence thresholds required to predict the impact of this variant on SDHA protein function. Experimental studies have shown that this missense change affects SDHA function (PMID: 10746566, 39321216). In summary, the currently available evidence indicates that the variant is pathogenic, but additional data are needed to prove that conclusively. Therefore, this variant has been classified as Likely Pathogenic.

3billion
Classification: Pathogenic for Mitochondrial complex II deficiency, nuclear type 1. Last evaluated: 2025-05-29. Review status: criteria provided, single submitter. Criteria: ACMG Guidelines, 2015. Collection method: clinical testing. Allele origin: germline. Affected: yes.
Comment: The variant is not observed in the gnomAD v4.1.0 dataset. Predicted Consequence/Location: Missense variant. The majority of the known disease-causing variants of this gene are variants expected to result in premature termination of the protein. Functional studies provide strong evidence of the variant having a damaging effect on the gene or gene product (PMID: 10746566). In silico tool predictions suggest damaging effect of the variant on gene or gene product [REVEL: 0.89 (>=0.6, sensitivity 0.68 and specificity 0.92)]. The same nucleotide change resulting in the same amino acid change has been previously reported as pathogenic/likely pathogenic with strong evidence (ClinVar ID: VCV000008743 /PMID: 10746566). Therefore, this variant is classified as Pathogenic according to the recommendation of ACMG/AMP guideline.

Ambry Genetics
Classification: Likely pathogenic for Hereditary cancer-predisposing syndrome. Last evaluated: 2025-04-01. Review status: criteria provided, single submitter. Criteria: Ambry Variant Classification Scheme 2023. Collection method: clinical testing. Allele origin: germline.
Comment: The p.A524V variant (also known as c.1571C>T), located in coding exon 12 of the SDHA gene, results from a C to T substitution at nucleotide position 1571. The alanine at codon 524 is replaced by valine, an amino acid with similar properties. This alteration has been detected in trans with other pathogenic SDHA mutations in individuals with features of Leigh syndrome (Parfait B et al. Hum Genet, 2000 Feb;106:236-43; external communication). This alteration has also been reported to result in defective SDH activity in an enzymatic assay (Parfait B et al. Hum Genet, 2000 Feb;106:236-43) and is predicted to be structurally destabilizing to the protein (Ambry internal data). This variant is considered to be rare based on population cohorts in the Genome Aggregation Database (gnomAD). This amino acid position is highly conserved in available vertebrate species. In addition, this alteration is predicted to be deleterious by in silico analysis. Based on the majority of available evidence to date, this variant is likely to be pathogenic.

Baylor Genetics
Classification: Pathogenic for Dilated cardiomyopathy 1GG. Last evaluated: 2023-11-27. Review status: criteria provided, single submitter. Criteria: ACMG Guidelines, 2015. Collection method: clinical testing. Allele origin: unknown.

GeneDx
Classification: Pathogenic. Last evaluated: 2022-03-30. Review status: criteria provided, single submitter. Criteria: GeneDx Variant Classification Process June 2021. Collection method: clinical testing. Allele origin: germline. Affected: yes.
Comment: Published functional studies demonstrate a damaging effect; transfection of A524V into SDHA-deficient fibroblasts failed to normalize overall respiratory chain enzyme activity or SDH activity (Parfait et al., 2000); Not observed in large population cohorts (gnomAD); In silico analysis supports that this missense variant has a deleterious effect on protein structure/function; This variant is associated with the following publications: (PMID: 27683074, 10746566)

OMIM
Classification: Pathogenic for MITOCHONDRIAL COMPLEX II DEFICIENCY, NUCLEAR TYPE 1. Last evaluated: 2000-02-01. Review status: no assertion criteria provided. Collection method: literature only. Allele origin: germline. Not counted in ClinVar's aggregate classification.

Literature cited by the submitters: PubMed 10746566 (cited by 4 submitters); PubMed 39321216 (cited by Labcorp Genetics (formerly Invitae), Labcorp).